The following is an entry in ClinVar:

NM_006258.4(PRKG1):c.1228C>T (p.Arg410Cys)

Gene: PRKG1 (protein kinase cGMP-dependent 1; plus strand). Cytogenetic location: 10q21.1.
Variant type: single nucleotide variant.
Coding change: c.1228C>T on transcript NM_006258.4 (MANE Select); coding-DNA position 1228, C replaced by T.
Protein change: p.Arg410Cys; replaces arginine 410 with cysteine.
Molecular consequence: missense variant.
Genome position (GRCh38, 1-based): chr10:52,271,404, C>T. VCF-style: chr10-52271404-C-T. GRCh37 (hg19) VCF-style: chr10-54031164-C-T.
Other names: c.1183C>T, p.Arg395Cys (NM_001098512.3, LRG_1135t2); c.1228C>T, p.Arg410Cys (LRG_1135t1); short protein forms R410C, R395C.
Identifiers: ClinVar variation 407091 (VCV000407091.10), dbSNP rs377519440, ClinGen allele CA5503796.

ClinVar aggregate classification (germline): Uncertain significance. Review status: criteria provided, multiple submitters, no conflicts (2 of 4 stars). 3 submissions from 3 submitters: Uncertain significance (3). Last evaluated 2025-11-13.

Conditions:
Aortic aneurysm, familial thoracic 8 (AAT8). Identifiers: MedGen C3809513, MONDO:0014187, OMIM 615436.
Familial thoracic aortic aneurysm and aortic dissection (TAAD). Also called: Thoracic aortic aneurysms and dissections. Identifiers: Orphanet 91387, MedGen C4707243, MONDO:0019625.

Allele frequency attached by ClinVar (database versions not stated): gnomAD 0.00004; gnomAD exomes 0.00002 and 0.00007; ExAC 0.00002; TOPMed 0.00005; ESP Exome Variant Server 0.00008.
gnomAD v4.1: 105 of 1,612,714 alleles (0.0065%); highest among the groups gnomAD compares: Non-Finnish European, 0.0085%; no homozygotes.

Submissions (3):

Labcorp Genetics (formerly Invitae), Labcorp
Classification: Uncertain significance for Aortic aneurysm, familial thoracic 8. Last evaluated: 2025-11-13. Review status: criteria provided, single submitter. Criteria: Invitae Variant Classification Sherloc (09022015). Collection method: clinical testing. Allele origin: germline.
Comment: This sequence change replaces arginine, which is basic and polar, with cysteine, which is neutral and slightly polar, at codon 410 of the PRKG1 protein (p.Arg410Cys). This variant is present in population databases (rs377519440, gnomAD 0.005%). This variant has not been reported in the literature in individuals affected with PRKG1-related conditions. ClinVar contains an entry for this variant (Variation ID: 407091). An algorithm developed to predict the effect of missense changes on protein structure and function (PolyPhen-2) suggests that this variant is likely to be tolerated. In summary, the available evidence is currently insufficient to determine the role of this variant in disease. Therefore, it has been classified as a Variant of Uncertain Significance.

Ambry Genetics
Classification: Uncertain significance for Familial thoracic aortic aneurysm and aortic dissection. Last evaluated: 2025-10-02. Review status: criteria provided, single submitter. Criteria: Ambry Variant Classification Scheme 2023. Collection method: clinical testing. Allele origin: germline.

GeneDx
Classification: Uncertain significance. Last evaluated: 2023-05-22. Review status: criteria provided, single submitter. Criteria: GeneDx Variant Classification Process June 2021. Collection method: clinical testing. Allele origin: germline.
Comment: Has not been previously published as pathogenic or benign to our knowledge; Not observed at significant frequency in large population cohorts (gnomAD); In silico analysis supports that this missense variant does not alter protein structure/function